The following is an entry in ClinVar:

ClinVar aggregate classification (germline): Likely benign. Review status: criteria provided, multiple submitters, no conflicts (2 of 4 stars). 2 submissions from 2 submitters: Likely benign (2). Last evaluated 2026-01-26.

Conditions:
Progressive sclerosing poliodystrophy (MTDPS4A). Also called: ALPERS PROGRESSIVE INFANTILE POLIODYSTROPHY; NEURONAL DEGENERATION OF CHILDHOOD WITH LIVER DISEASE, PROGRESSIVE; Alpers-Huttenlocher Syndrome (AHS); Alpers Syndrome; Mitochondrial DNA Depletion Syndrome 4A; ALPERS DIFFUSE DEGENERATION OF CEREBRAL GRAY MATTER WITH HEPATIC CIRRHOSIS. Identifiers: Orphanet 726, MedGen C0205710, MONDO:0008758, OMIM 203700.

Allele frequency attached by ClinVar (database versions not stated): ExAC 0.00001; gnomAD 0.00001; gnomAD exomes 0.00002; TOPMed 0.00003.
gnomAD v4.1: 29 of 1,608,666 alleles (0.0018%); highest among the groups gnomAD compares: East Asian, 0.0045%; no homozygotes.

Submissions (2):

Labcorp Genetics (formerly Invitae), Labcorp
Classification: Likely benign for Progressive sclerosing poliodystrophy. Last evaluated: 2026-01-26. Review status: criteria provided, single submitter. Criteria: Invitae Variant Classification Sherloc (09022015). Collection method: clinical testing. Allele origin: germline.

GeneDx
Classification: Likely benign. Last evaluated: 2016-11-22. Review status: criteria provided, single submitter. Criteria: GeneDx Variant Classification (06012015). Collection method: clinical testing. Allele origin: germline. Affected: yes.
Comment: This variant is considered likely benign or benign based on one or more of the following criteria: it is a conservative change, it occurs at a poorly conserved position in the protein, it is predicted to be benign by multiple in silico algorithms, and/or has population frequency not consistent with disease.

NM_002693.3(POLG):c.2157+12G>A

Gene: POLG (DNA polymerase gamma, catalytic subunit; minus strand). Cytogenetic location: 15q26.1.
Variant type: single nucleotide variant.
Coding change: c.2157+12G>A on transcript NM_002693.3 (MANE Select); 12 bases into the intron after coding-DNA position 2157, G replaced by A.
Molecular consequence: intron variant.
Genome position (GRCh38, 1-based): chr15:89,323,803, C>T on the plus strand (G>A on the coding strand, the complement: POLG is on the minus strand). VCF-style: chr15-89323803-C-T. GRCh37 (hg19) VCF-style: chr15-89867034-C-T.
Other names: c.2157+12G>A (NM_001126131.2).
Identifiers: ClinVar variation 391230 (VCV000391230.9), dbSNP rs762919106, ClinGen allele CA7724576.
Genomic context (GRCh38, chr15:89,323,803, plus strand): 5'-AACTAGGTGGGCAAGAGGAAGCCCTTTCCACCCAGCACCCACCTAGAGAACCCAAGCCGG[C>T]GCACTGCTCACCAGAGCTAGGGGTTGACCTGGCACTGCAGCTCGCAAGTTCTCCATCTTG-3'